The following is an entry in ClinVar:

ClinVar aggregate classification (germline): Pathogenic. Review status: criteria provided, multiple submitters, no conflicts (2 of 4 stars). 2 submissions from 2 submitters: Pathogenic (2). Last evaluated 2026-01-08.

Conditions:
COL9A1-related disorder. Also called: COL9A1-related condition; COL9A1-related disorders.

Submissions (2):

Labcorp Genetics (formerly Invitae), Labcorp
Classification: Pathogenic. Last evaluated: 2026-01-08. Review status: criteria provided, single submitter. Criteria: Invitae Variant Classification Sherloc (09022015). Collection method: clinical testing. Allele origin: germline.
Comment: This sequence change creates a premature translational stop signal (p.Glu273*) in the COL9A1 gene. It is expected to result in an absent or disrupted protein product. Loss-of-function variants in COL9A1 are known to be pathogenic (PMID: 16909383, 21421862). This variant is present in population databases (no rsID available, gnomAD 0.01%). This variant has not been reported in the literature in individuals affected with COL9A1-related conditions. For these reasons, this variant has been classified as Pathogenic.

Women's Health and Genetics/Laboratory Corporation of America, LabCorp
Classification: Pathogenic for COL9A1-Related Disorders. Last evaluated: 2025-10-06. Review status: criteria provided, single submitter. Criteria: LabCorp Variant Classification Summary - May 2015. Collection method: clinical testing. Allele origin: germline.
Comment: Variant summary: COL9A1 c.812dupC (p.Glu273X) results in a premature termination codon, predicted to cause a truncation of the encoded protein or absence of the protein due to nonsense mediated decay, which are commonly known mechanisms for disease. The variant was absent in 245656 control chromosomes. To our knowledge, no occurrence of c.812dupC in individuals affected with COL9A1-related conditions and no experimental evidence demonstrating its impact on protein function have been reported. No submitters have cited clinical-significance assessments for this variant to ClinVar. Based on the evidence outlined above, the variant was classified as pathogenic.

Literature cited by the submitters: PubMed 16909383 (cited by Labcorp Genetics (formerly Invitae), Labcorp); PubMed 21421862 (cited by Labcorp Genetics (formerly Invitae), Labcorp).

NM_001851.6(COL9A1):c.812dup (p.Gly272_Glu273insTer)

Gene: COL9A1 (collagen type IX alpha 1 chain; minus strand). Cytogenetic location: 6q13.
Variant type: Duplication.
Coding change: c.812dup on transcript NM_001851.6 (MANE Select); coding-DNA position 812, one base duplicated (C; older notation c.812dupC).
Protein change: p.Gly272_Glu273insTer.
Molecular consequence: frameshift variant. On other transcripts: non-coding transcript variant (1).
Genome position (GRCh38, 1-based): chr6:70,281,454, G duplicated on the plus strand (C on the coding strand, the reverse complement: COL9A1 is on the minus strand); the first of 5 consecutive G bases (chr6:70,281,454-70,281,458); duplicating any one gives the same sequence. VCF-style (leftmost placement, unchanged base first): chr6-70281453-C-CG. GRCh37 (hg19) VCF-style: chr6-70991156-C-CG.
Other names: c.83dup, p.Gly29_Glu30insTer (NM_001377289.1, NM_001377290.1, NM_078485.4); c.812dup, p.Gly272_Glu273insTer (NM_001377291.1); c.812dupC (NM_001851.6).
Identifiers: ClinVar variation 4687539 (VCV004687539.2).